The following is an entry in ClinVar:

ClinVar aggregate classification (germline): Uncertain significance. Review status: criteria provided, multiple submitters, no conflicts (2 of 4 stars). 2 submissions from 2 submitters: Uncertain significance (2). Last evaluated 2025-03-09.

Allele frequency attached by ClinVar (database versions not stated): ExAC 0.00003; gnomAD 0.00003; gnomAD exomes 0.00003; TOPMed 0.00005.
gnomAD v4.1: 42 of 1,613,112 alleles (0.0026%); highest among the groups gnomAD compares: Non-Finnish European, 0.0029%; no homozygotes.

Submissions (2):

Labcorp Genetics (formerly Invitae), Labcorp
Classification: Uncertain significance. Last evaluated: 2025-03-09. Review status: criteria provided, single submitter. Criteria: Invitae Variant Classification Sherloc (09022015). Collection method: clinical testing. Allele origin: germline.
Comment: This sequence change replaces histidine, which is basic and polar, with aspartic acid, which is acidic and polar, at codon 1680 of the SORL1 protein (p.His1680Asp). This variant is present in population databases (rs745580770, gnomAD 0.03%). This variant has not been reported in the literature in individuals affected with SORL1-related conditions. ClinVar contains an entry for this variant (Variation ID: 2510166). An algorithm developed to predict the effect of missense changes on protein structure and function (PolyPhen-2) suggests that this variant is likely to be disruptive. In summary, the available evidence is currently insufficient to determine the role of this variant in disease. Therefore, it has been classified as a Variant of Uncertain Significance.

Ambry Genetics
Classification: Uncertain significance. Last evaluated: 2023-05-08. Review status: criteria provided, single submitter. Criteria: Ambry Variant Classification Scheme 2023. Collection method: clinical testing. Allele origin: germline.

NM_003105.6(SORL1):c.5038C>G (p.His1680Asp)

Gene: SORL1 (sortilin related receptor 1; plus strand). Cytogenetic location: 11q24.1.
Variant type: single nucleotide variant.
Coding change: c.5038C>G on transcript NM_003105.6 (MANE Select); coding-DNA position 5038, C replaced by G.
Protein change: p.His1680Asp; replaces histidine 1680 with aspartic acid.
Molecular consequence: missense variant.
Genome position (GRCh38, 1-based): chr11:121,606,934, C>G. VCF-style: chr11-121606934-C-G. GRCh37 (hg19) VCF-style: chr11-121477643-C-G.
Other names: short protein forms H1680D.
Identifiers: ClinVar variation 2510166 (VCV002510166.3), dbSNP rs745580770, ClinGen allele CA6329808.